The following is an entry in ClinVar:

NM_001042492.3(NF1):c.6854A>G (p.Tyr2285Cys)

Gene: NF1 (neurofibromin 1; plus strand). Cytogenetic location: 17q11.2.
Variant type: single nucleotide variant.
Coding change: c.6854A>G on transcript NM_001042492.3 (MANE Select); coding-DNA position 6854, A replaced by G.
Protein change: p.Tyr2285Cys; replaces tyrosine 2285 with cysteine.
Molecular consequence: missense variant.
Genome position (GRCh38, 1-based): chr17:31,338,738, A>G. VCF-style: chr17-31338738-A-G. GRCh37 (hg19) VCF-style: chr17-29665756-A-G.
Other names: c.6791A>G, p.Tyr2264Cys (NM_000267.4); short protein forms Y2285C, Y2264C.
Identifiers: ClinVar variation 3879122 (VCV003879122.1).

ClinVar aggregate classification (germline): Uncertain significance (1 of 4 stars; one submission).

Conditions:
Cardiovascular phenotype. Identifiers: MedGen CN230736.
Hereditary cancer-predisposing syndrome. Also called: Tumor predisposition; Neoplastic Syndromes, Hereditary; Hereditary Cancer Syndrome; Hereditary neoplastic syndrome. Identifiers: Orphanet 140162, MedGen C0027672, MeSH D009386, MONDO:0015356.

Submission:

Ambry Genetics
Classification: Uncertain significance for Cardiovascular phenotype; Hereditary cancer-predisposing syndrome. Last evaluated: 2025-03-11. Review status: criteria provided, single submitter. Criteria: Ambry Variant Classification Scheme 2023. Collection method: clinical testing. Allele origin: germline.
Comment: The p.Y2264C variant (also known as c.6791A>G), located in coding exon 45 of the NF1 gene, results from an A to G substitution at nucleotide position 6791. The tyrosine at codon 2264 is replaced by cysteine, an amino acid with highly dissimilar properties. This amino acid position is highly conserved in available vertebrate species. In addition, the in silico prediction for this alteration is inconclusive. Based on the available evidence, the clinical significance of this variant remains unclear.